The following is an entry in ClinVar:

NM_000166.6(GJB1):c.128T>A (p.Val43Glu)

Gene: GJB1 (gap junction protein beta 1; plus strand). Cytogenetic location: Xq13.1.
Variant type: single nucleotide variant.
Coding change: c.128T>A on transcript NM_000166.6 (MANE Select); coding-DNA position 128, T replaced by A.
Protein change: p.Val43Glu; replaces valine 43 with glutamic acid.
Molecular consequence: missense variant.
Genome position (GRCh38, 1-based): chrX:71,223,835, T>A. VCF-style: chrX-71223835-T-A. GRCh37 (hg19) VCF-style: chrX-70443685-T-A.
Other names: c.128T>A, p.Val43Glu (NM_001097642.3); short protein forms V43E.
Identifiers: ClinVar variation 543916 (VCV000543916.8), dbSNP rs1555937059, ClinGen allele CA413501030.

ClinVar aggregate classification (germline): Uncertain significance (1 of 4 stars; one submission).

Conditions:
Charcot-Marie-Tooth Neuropathy X. Identifiers: MedGen CN118851.

Submission:

Labcorp Genetics (formerly Invitae), Labcorp
Classification: Uncertain significance for Charcot-Marie-Tooth Neuropathy X. Last evaluated: 2017-11-24. Review status: criteria provided, single submitter. Criteria: Invitae Variant Classification Sherloc (09022015). Collection method: clinical testing. Allele origin: germline.
Comment: This variant is not present in population databases (ExAC no frequency). This sequence change replaces valine with glutamic acid at codon 43 of the GJB1 protein (p.Val43Glu). The valine residue is highly conserved and there is a moderate physicochemical difference between valine and glutamic acid. This variant has not been reported in the literature in individuals with GJB1-related disease. Algorithms developed to predict the effect of missense changes on protein structure and function do not agree on the potential impact of this missense change (SIFT: "Deleterious"; PolyPhen-2: "Probably Damaging"; Align-GVGD: "Class C0"). Algorithms developed to predict the effect of sequence changes on RNA splicing suggest that this variant may create or strengthen a splice site, but this prediction has not been confirmed by published transcriptional studies. In summary, the available evidence is currently insufficient to determine the role of this variant in disease. Therefore, it has been classified as a Variant of Uncertain Significance.